The following is an entry in ClinVar:

NM_014956.5(CEP164):c.152G>A (p.Arg51Gln)

Gene: CEP164 (centrosomal protein 164; plus strand). Cytogenetic location: 11q23.3.
Variant type: single nucleotide variant.
Coding change: c.152G>A on transcript NM_014956.5 (MANE Select); coding-DNA position 152, G replaced by A.
Protein change: p.Arg51Gln; replaces arginine 51 with glutamine.
Molecular consequence: missense variant.
Genome position (GRCh38, 1-based): chr11:117,344,235, G>A. VCF-style: chr11-117344235-G-A. GRCh37 (hg19) VCF-style: chr11-117214951-G-A.
Other names: c.152G>A, p.Arg51Gln (NM_001271933.2); c.152G>A (NM_014956.4); short protein forms R51Q.
Identifiers: ClinVar variation 2193583 (VCV002193583.3), dbSNP rs752300360, ClinGen allele CA6294336.

ClinVar aggregate classification (germline): Uncertain significance. Review status: criteria provided, multiple submitters, no conflicts (2 of 4 stars). 2 submissions from 2 submitters: Uncertain significance (2). Last evaluated 2025-05-15.

Conditions:
Nephronophthisis 15 (NPHP15). Identifiers: Orphanet 3156, MedGen C3541853, MONDO:0013917, OMIM 614845.
CEP164-related disorder. Also called: CEP164-related condition.

Allele frequency attached by ClinVar (database versions not stated): gnomAD exomes below 0.00001; gnomAD 0.00001; TOPMed 0.00001; ExAC 0.00005.
gnomAD v4.1: 8 of 1,613,334 alleles (0.0005%); highest among the groups gnomAD compares: South Asian, 0.0055%; no homozygotes.

Submissions (2):

PreventionGenetics, part of Exact Sciences
Classification: Uncertain significance for CEP164-related condition. Last evaluated: 2025-05-15. Review status: criteria provided, single submitter. Criteria: ACMG Guidelines, 2015. Collection method: clinical testing. Allele origin: germline.
Comment: The CEP164 c.152G>A variant is predicted to result in the amino acid substitution p.Arg51Gln. To our knowledge, this variant has not been reported in the literature. This variant is reported in 0.0099% of alleles in individuals of South Asian descent in gnomAD. At this time, the clinical significance of this variant is uncertain due to the absence of conclusive functional and genetic evidence.

Labcorp Genetics (formerly Invitae), Labcorp
Classification: Uncertain significance for Nephronophthisis 15. Last evaluated: 2022-06-04. Review status: criteria provided, single submitter. Criteria: Invitae Variant Classification Sherloc (09022015). Collection method: clinical testing. Allele origin: germline.
Comment: In summary, the available evidence is currently insufficient to determine the role of this variant in disease. Therefore, it has been classified as a Variant of Uncertain Significance. Algorithms developed to predict the effect of missense changes on protein structure and function (SIFT, PolyPhen-2, Align-GVGD) all suggest that this variant is likely to be disruptive. This variant has not been reported in the literature in individuals affected with CEP164-related conditions. This variant is present in population databases (rs752300360, gnomAD 0.01%). This sequence change replaces arginine, which is basic and polar, with glutamine, which is neutral and polar, at codon 51 of the CEP164 protein (p.Arg51Gln).